The following is an entry in ClinVar:

ClinVar aggregate classification (germline): Likely benign. Review status: criteria provided, multiple submitters, no conflicts (2 of 4 stars). 3 submissions from 3 submitters: Likely benign (2). 1 of the submissions does not count toward it. Last evaluated 2026-03-01.

Conditions:
HIVEP2-related disorder. Also called: HIVEP2-related condition.

Allele frequency attached by ClinVar (database versions not stated): gnomAD 0.00005; TOPMed 0.00007; gnomAD exomes 0.00008; ExAC 0.00009; 1000 Genomes Project 0.00020; 1000 Genomes Project 30x 0.00031.
gnomAD v4.1: 126 of 1,614,010 alleles (0.0078%); highest among the groups gnomAD compares: Admixed American, 0.017%; no homozygotes.

Submissions (3):

CeGaT Center for Human Genetics Tuebingen
Classification: Likely benign. Last evaluated: 2026-03-01. Review status: criteria provided, single submitter. Criteria: CeGaT Center For Human Genetics Tuebingen Variant Classification Criteria Version 2. Collection method: clinical testing. Allele origin: germline. Affected: yes. Observed: 1 variant allele.
Comment: HIVEP2: BP4, BP7

Labcorp Genetics (formerly Invitae), Labcorp
Classification: Likely benign. Last evaluated: 2025-12-01. Review status: criteria provided, single submitter. Criteria: Invitae Variant Classification Sherloc (09022015). Collection method: clinical testing. Allele origin: germline.

PreventionGenetics, part of Exact Sciences
Classification: Likely benign for HIVEP2-related condition. Last evaluated: 2021-08-24. Review status: no assertion criteria provided. Collection method: clinical testing. Allele origin: germline. Not counted in ClinVar's aggregate classification.
Comment: This variant is classified as likely benign based on ACMG/AMP sequence variant interpretation guidelines (Richards et al. 2015 PMID: 25741868, with internal and published modifications).

NM_006734.4(HIVEP2):c.5766C>T (p.Asp1922=)

Gene: HIVEP2 (HIVEP zinc finger 2; minus strand). Cytogenetic location: 6q24.2.
Variant type: single nucleotide variant.
Coding change: c.5766C>T on transcript NM_006734.4 (MANE Select); coding-DNA position 5766, C replaced by T.
Protein change: p.Asp1922=; no amino-acid change (aspartic acid 1922 retained).
Molecular consequence: synonymous variant.
Genome position (GRCh38, 1-based): chr6:142,760,522, G>A on the plus strand (C>T on the coding strand, the complement: HIVEP2 is on the minus strand). VCF-style: chr6-142760522-G-A. GRCh37 (hg19) VCF-style: chr6-143081659-G-A.
Other names: c.5766C>T (NM_006734.3).
Identifiers: ClinVar variation 2175372 (VCV002175372.10), dbSNP rs190688683, ClinGen allele CA4027802.
Genomic context (GRCh38, chr6:142,760,522, plus strand): 5'-TCTAGGAGGCTGAGGACTGGTGCTTCTTGATCTTGTTTTTGGTGTTAAATCTCCCTGGTC[G>A]TCAAAGTCATCTTCATCTTCATCATCATCATCATTATCATCTCCATCCTCACCATCTGAT-3'
Protein context (NP_006725.3, residues 1912-1932): DDDDEDEDDF[Asp1922=]DQGDLTPKTR